The following is an entry in ClinVar:

NM_000426.4(LAMA2):c.2350dup (p.Tyr784fs)

Gene: LAMA2 (laminin subunit alpha 2; plus strand). Cytogenetic location: 6q22.33.
Variant type: Duplication.
Coding change: c.2350dup on transcript NM_000426.4 (MANE Select); coding-DNA position 2350, one base duplicated (T; older notation c.2350dupT).
Protein change: p.Tyr784fs; shifts the reading frame from tyrosine 784.
Molecular consequence: frameshift variant.
Genome position (GRCh38, 1-based): chr6:129,270,651, T duplicated. VCF-style (leftmost placement, unchanged base first): chr6-129270650-A-AT. GRCh37 (hg19) VCF-style: chr6-129591795-A-AT.
Other names: c.2350dup, p.Tyr784fs (NM_001079823.2); c.2350dupT (NM_000426.3); short protein forms Y784fs.
Identifiers: ClinVar variation 423308 (VCV000423308.9), dbSNP rs1554260284, ClinGen allele CA16618240.

ClinVar aggregate classification (germline): Pathogenic. Review status: criteria provided, multiple submitters, no conflicts (2 of 4 stars). 3 submissions from 3 submitters: Pathogenic (3). Last evaluated 2023-04-02.

Conditions:
Merosin deficient congenital muscular dystrophy (MDC1A). Also called: Congenital merosin-deficient muscular dystrophy 1A; Congenital Muscular Dystrophy Type 1A (MDC1A). Identifiers: Orphanet 258, MedGen C1263858, MONDO:0011925, OMIM 607855.
LAMA2-related muscular dystrophy (LAMA2-RD). Also called: Laminin alpha 2-related dystrophy. Identifiers: MedGen C5679788, MONDO:0100228.

Allele frequency attached by ClinVar (database versions not stated): gnomAD exomes below 0.00001.

Submissions (3):

Baylor Genetics
Classification: Pathogenic for Merosin deficient congenital muscular dystrophy. Last evaluated: 2023-04-02. Review status: criteria provided, single submitter. Criteria: ACMG Guidelines, 2015. Collection method: clinical testing. Allele origin: unknown.

Labcorp Genetics (formerly Invitae), Labcorp
Classification: Pathogenic for LAMA2-related muscular dystrophy. Last evaluated: 2022-05-11. Review status: criteria provided, single submitter. Criteria: Invitae Variant Classification Sherloc (09022015). Collection method: clinical testing. Allele origin: germline.
Comment: For these reasons, this variant has been classified as Pathogenic. ClinVar contains an entry for this variant (Variation ID: 423308). This premature translational stop signal has been observed in individual(s) with congenital muscular dystrophy type 1A (PMID: 30055037). This variant is not present in population databases (gnomAD no frequency). This sequence change creates a premature translational stop signal (p.Tyr784Leufs*3) in the LAMA2 gene. It is expected to result in an absent or disrupted protein product. Loss-of-function variants in LAMA2 are known to be pathogenic (PMID: 18700894, 32904964).

GeneDx
Classification: Pathogenic. Last evaluated: 2020-11-11. Review status: criteria provided, single submitter. Criteria: GeneDx Variant Classification Process June 2021. Collection method: clinical testing. Allele origin: germline. Affected: yes.
Comment: Frameshift variant predicted to result in protein truncation or nonsense mediated decay in a gene for which loss-of-function is a known mechanism of disease; Not observed in large population cohorts (Lek et al., 2016); Reported in association with congenital muscular dystrophy in an individual who had a second LAMA2 variant (Oliveira et al., 2014; Oliveria et al., 2018); This variant is associated with the following publications: (PMID: 27858771, 30055037)

Literature cited by the submitters: PubMed 30055037 (cited by Labcorp Genetics (formerly Invitae), Labcorp); PubMed 18700894 (cited by Labcorp Genetics (formerly Invitae), Labcorp); PubMed 32904964 (cited by Labcorp Genetics (formerly Invitae), Labcorp).